The following is an entry in ClinVar:

NM_001127453.2(GSDME):c.1258-3C>G

Gene: GSDME (gasdermin E; minus strand). Cytogenetic location: 7p15.3.
Variant type: single nucleotide variant.
Coding change: c.1258-3C>G on transcript NM_001127453.2 (MANE Select); 3 bases into the intron before coding-DNA position 1258, C replaced by G.
Molecular consequence: intron variant.
Genome position (GRCh38, 1-based): chr7:24,699,262, G>C on the plus strand (C>G on the coding strand, the complement: GSDME is on the minus strand). VCF-style: chr7-24699262-G-C. GRCh37 (hg19) VCF-style: chr7-24738881-G-C.
Other names: c.766-3C>G (NM_001127454.2); c.1258-3C>G (NM_004403.3, NM_004403.2).
Identifiers: ClinVar variation 3393801 (VCV003393801.2).

ClinVar aggregate classification (germline): Uncertain significance. Review status: criteria provided, multiple submitters, no conflicts (2 of 4 stars). 2 submissions from 2 submitters: Uncertain significance (2). Last evaluated 2026-04-08.

Conditions:
GSDME-related disorder. Also called: GSDME-related condition.

gnomAD v4.1: 12 of 1,593,230 alleles (0.00075%); highest among the groups gnomAD compares: Admixed American, 0.0083%; no homozygotes.

Submissions (2):

PreventionGenetics, part of Exact Sciences
Classification: Uncertain significance for GSDME-related condition. Last evaluated: 2026-04-08. Review status: criteria provided, single submitter. Criteria: ACMG Guidelines, 2015. Collection method: clinical testing. Allele origin: germline.
Comment: The GSDME c.1258-3C>G variant is predicted to interfere with splicing. This variant at the exon 10 splice acceptor site is predicted to impact splicing based on available splicing prediction programs (SpliceAI, Jaganathan et al. 2019. PubMed ID: 30661751). To our knowledge, this variant has not been reported in the literature. This variant is reported in 0.0040% of alleles in individuals of African descent in gnomAD. At this time, the clinical significance of this variant is uncertain due to the absence of conclusive functional and genetic evidence.

GeneDx
Classification: Uncertain significance. Last evaluated: 2024-07-05. Review status: criteria provided, single submitter. Criteria: GeneDx Variant Classification Process June 2021. Collection method: clinical testing. Allele origin: germline. Affected: yes.
Comment: In silico analysis supports a deleterious effect on splicing; Has not been previously published as pathogenic or benign to our knowledge